The following is an entry in ClinVar:

ClinVar aggregate classification (germline): Uncertain significance (1 of 4 stars; one submission).

Allele frequency attached by ClinVar (database versions not stated): TOPMed below 0.00001.
gnomAD v4.1: 2 of 1,554,466 alleles (0.00013%); highest among the groups gnomAD compares: East Asian, 0.0024%; no homozygotes.

Submission:

Labcorp Genetics (formerly Invitae), Labcorp
Classification: Uncertain significance. Last evaluated: 2023-12-11. Review status: criteria provided, single submitter. Criteria: Invitae Variant Classification Sherloc (09022015). Collection method: clinical testing. Allele origin: germline.
Comment: This sequence change replaces proline, which is neutral and non-polar, with serine, which is neutral and polar, at codon 1898 of the CCDC88C protein (p.Pro1898Ser). This variant is present in population databases (no rsID available, gnomAD 0.009%). This variant has not been reported in the literature in individuals affected with CCDC88C-related conditions. ClinVar contains an entry for this variant (Variation ID: 2119701). An algorithm developed to predict the effect of missense changes on protein structure and function (PolyPhen-2) suggests that this variant is likely to be tolerated. In summary, the available evidence is currently insufficient to determine the role of this variant in disease. Therefore, it has been classified as a Variant of Uncertain Significance.

NM_001080414.4(CCDC88C):c.5692C>T (p.Pro1898Ser)

Gene: CCDC88C (coiled-coil and HOOK domain protein 88C; minus strand). Cytogenetic location: 14q32.11.
Variant type: single nucleotide variant.
Coding change: c.5692C>T on transcript NM_001080414.4 (MANE Select); coding-DNA position 5692, C replaced by T.
Protein change: p.Pro1898Ser; replaces proline 1898 with serine.
Molecular consequence: missense variant.
Genome position (GRCh38, 1-based): chr14:91,273,020, G>A on the plus strand (C>T on the coding strand, the complement: CCDC88C is on the minus strand). VCF-style: chr14-91273020-G-A. GRCh37 (hg19) VCF-style: chr14-91739364-G-A.
Other names: short protein forms P1898S.
Identifiers: ClinVar variation 2119701 (VCV002119701.4), dbSNP rs1253442628, ClinGen allele CA390609124.